The following is an entry in ClinVar:

NM_017654.4(SAMD9):c.44C>A (p.Thr15Lys)

Gene: SAMD9 (sterile alpha motif domain containing 9; minus strand). Cytogenetic location: 7q21.2.
Variant type: single nucleotide variant.
Coding change: c.44C>A on transcript NM_017654.4 (MANE Select); coding-DNA position 44, C replaced by A.
Protein change: p.Thr15Lys; replaces threonine 15 with lysine.
Molecular consequence: missense variant.
Genome position (GRCh38, 1-based): chr7:93,106,054, G>T on the plus strand (C>A on the coding strand, the complement: SAMD9 is on the minus strand). VCF-style: chr7-93106054-G-T. GRCh37 (hg19) VCF-style: chr7-92735367-G-T.
Other names: c.44C>A (NM_017654.3); c.44C>A, p.Thr15Lys (NM_001193307.2); short protein forms T15K.
Identifiers: ClinVar variation 1468208 (VCV001468208.10), dbSNP rs757777689, ClinGen allele CA368206490.

ClinVar aggregate classification (germline): Uncertain significance. Review status: criteria provided, multiple submitters, no conflicts (2 of 4 stars). 4 submissions from 4 submitters: Uncertain significance (4). Last evaluated 2025-07-02.

Conditions:
SAMD9-related disorder. Also called: SAMD9-related condition.
Inborn genetic diseases. Identifiers: MedGen C0950123, MeSH D030342.

gnomAD v4.1: 96 of 1,592,156 alleles (0.006%); highest among the groups gnomAD compares: Non-Finnish European, 0.008%; no homozygotes.

Submissions (4):

Ambry Genetics
Classification: Uncertain significance for Inborn genetic diseases. Last evaluated: 2025-07-02. Review status: criteria provided, single submitter. Criteria: Ambry Variant Classification Scheme 2023. Collection method: clinical testing. Allele origin: germline.

Labcorp Genetics (formerly Invitae), Labcorp
Classification: Uncertain significance. Last evaluated: 2025-02-06. Review status: criteria provided, single submitter. Criteria: Invitae Variant Classification Sherloc (09022015). Collection method: clinical testing. Allele origin: germline.
Comment: This sequence change replaces threonine, which is neutral and polar, with lysine, which is basic and polar, at codon 15 of the SAMD9 protein (p.Thr15Lys). This variant is present in population databases (no rsID available, gnomAD 0.003%). This variant has not been reported in the literature in individuals affected with SAMD9-related conditions. ClinVar contains an entry for this variant (Variation ID: 1468208). Invitae Evidence Modeling of protein sequence and biophysical properties (such as structural, functional, and spatial information, amino acid conservation, physicochemical variation, residue mobility, and thermodynamic stability) has been performed for this missense variant. However, the output from this modeling did not meet the statistical confidence thresholds required to predict the impact of this variant on SAMD9 protein function. In summary, the available evidence is currently insufficient to determine the role of this variant in disease. Therefore, it has been classified as a Variant of Uncertain Significance.

GeneDx
Classification: Uncertain significance. Last evaluated: 2023-07-07. Review status: criteria provided, single submitter. Criteria: GeneDx Variant Classification Process June 2021. Collection method: clinical testing. Allele origin: germline. Affected: yes.
Comment: Not observed at significant frequency in large population cohorts (gnomAD); In silico analysis supports that this missense variant does not alter protein structure/function; Has not been previously published as pathogenic or benign to our knowledge

PreventionGenetics, part of Exact Sciences
Classification: Uncertain significance for SAMD9-related condition. Last evaluated: 2023-03-06. Review status: criteria provided, single submitter. Criteria: ACMG Guidelines, 2015. Collection method: clinical testing. Allele origin: germline.
Comment: The SAMD9 c.44C>A variant is predicted to result in the amino acid substitution p.Thr15Lys. To our knowledge, this variant has not been reported in the literature. This variant is reported in 0.0028% of alleles in individuals of European (Non-Finnish) descent in gnomAD. At this time, the clinical significance of this variant is uncertain due to the absence of conclusive functional and genetic evidence.